The following is an entry in ClinVar:

NM_006767.4(LZTR1):c.893T>C (p.Val298Ala)

Gene: LZTR1 (leucine zipper like post translational regulator 1; plus strand). Cytogenetic location: 22q11.21.
Variant type: single nucleotide variant.
Coding change: c.893T>C on transcript NM_006767.4 (MANE Select); coding-DNA position 893, T replaced by C.
Protein change: p.Val298Ala; replaces valine 298 with alanine.
Molecular consequence: missense variant.
Genome position (GRCh38, 1-based): chr22:20,991,729, T>C. VCF-style: chr22-20991729-T-C. GRCh37 (hg19) VCF-style: chr22-21346018-T-C.
Other names: short protein forms V298A.
Identifiers: ClinVar variation 1957028 (VCV001957028.5), dbSNP rs2518617192, ClinGen allele CA410781367.

ClinVar aggregate classification (germline): Uncertain significance (1 of 4 stars; one submission).

Submission:

Labcorp Genetics (formerly Invitae), Labcorp
Classification: Uncertain significance. Last evaluated: 2022-12-08. Review status: criteria provided, single submitter. Criteria: Invitae Variant Classification Sherloc (09022015). Collection method: clinical testing. Allele origin: germline.
Comment: In summary, the available evidence is currently insufficient to determine the role of this variant in disease. Therefore, it has been classified as a Variant of Uncertain Significance. Advanced modeling of protein sequence and biophysical properties (such as structural, functional, and spatial information, amino acid conservation, physicochemical variation, residue mobility, and thermodynamic stability) performed at Invitae indicates that this missense variant is not expected to disrupt LZTR1 protein function. This variant has not been reported in the literature in individuals affected with LZTR1-related conditions. This variant is not present in population databases (gnomAD no frequency). This sequence change replaces valine, which is neutral and non-polar, with alanine, which is neutral and non-polar, at codon 298 of the LZTR1 protein (p.Val298Ala).